The following is an entry in ClinVar:

ClinVar aggregate classification (germline): Benign/Likely benign. Review status: criteria provided, multiple submitters, no conflicts (2 of 4 stars). 4 submissions from 4 submitters: Benign (1); Likely benign (3). Last evaluated 2025-11-04.

Conditions:
Hereditary spastic paraplegia 4. Also called: Spastic paraplegia 4, autosomal dominant; Spastic Paraplegia 4; Familial spastic paraplegia autosomal dominant 2. Identifiers: Orphanet 100985, MedGen C1866855, MONDO:0008438, OMIM 182601.

Allele frequency attached by ClinVar (database versions not stated): 1000 Genomes Project 30x 0.00094; 1000 Genomes Project 0.00100; gnomAD 0.00107 and 0.00115; TOPMed 0.00110.

Submissions (4):

Labcorp Genetics (formerly Invitae), Labcorp
Classification: Benign for Hereditary spastic paraplegia 4. Last evaluated: 2025-11-04. Review status: criteria provided, single submitter. Criteria: Invitae Variant Classification Sherloc (09022015). Collection method: clinical testing. Allele origin: germline.

Blueprint Genetics
Classification: Likely benign. Last evaluated: 2024-11-20. Review status: criteria provided, single submitter. Criteria: ACMG Guidelines, 2015. Collection method: clinical testing. Allele origin: germline.

Fulgent Genetics
Classification: Likely benign for Hereditary spastic paraplegia 4. Last evaluated: 2021-08-06. Review status: criteria provided, single submitter. Criteria: ACMG Guidelines, 2015. Collection method: clinical testing. Allele origin: unknown.

GeneDx
Classification: Likely benign. Last evaluated: 2017-02-20. Review status: criteria provided, single submitter. Criteria: GeneDx Variant Classification (06012015). Collection method: clinical testing. Allele origin: germline. Affected: yes.
Comment: This variant is considered likely benign or benign based on one or more of the following criteria: it is a conservative change, it occurs at a poorly conserved position in the protein, it is predicted to be benign by multiple in silico algorithms, and/or has population frequency not consistent with disease.

NM_014946.4(SPAST):c.415+12G>A

Gene: SPAST (spastin; plus strand). Cytogenetic location: 2p22.3.
Variant type: single nucleotide variant.
Coding change: c.415+12G>A on transcript NM_014946.4 (MANE Select); 12 bases into the intron after coding-DNA position 415, G replaced by A.
Molecular consequence: intron variant.
Genome position (GRCh38, 1-based): chr2:32,064,258, G>A. VCF-style: chr2-32064258-G-A. GRCh37 (hg19) VCF-style: chr2-32289327-G-A.
Other names: c.415+12G>A (NM_199436.2, NM_001377959.1, NM_001363823.2 and 1 more transcripts).
Identifiers: ClinVar variation 507011 (VCV000507011.11), dbSNP rs539075273, ClinGen allele CA1600565.